The following is an entry in ClinVar:

NM_005219.5(DIAPH1):c.743T>C (p.Met248Thr)

Gene: DIAPH1 (diaphanous related formin 1; minus strand). Cytogenetic location: 5q31.3.
Variant type: single nucleotide variant.
Coding change: c.743T>C on transcript NM_005219.5 (MANE Select); coding-DNA position 743, T replaced by C.
Protein change: p.Met248Thr; replaces methionine 248 with threonine.
Molecular consequence: missense variant.
Genome position (GRCh38, 1-based): chr5:141,580,825, A>G on the plus strand (T>C on the coding strand, the complement: DIAPH1 is on the minus strand). VCF-style: chr5-141580825-A-G. GRCh37 (hg19) VCF-style: chr5-140960392-A-G.
Other names: c.716T>C, p.Met239Thr (NM_001079812.3); c.743T>C, p.Met248Thr (NM_001314007.2); short protein forms M239T, M248T.
Identifiers: ClinVar variation 2104526 (VCV002104526.4), dbSNP rs2513764911, ClinGen allele CA361536948.
Genomic context (GRCh38, chr5:141,580,825, plus strand): 5'-ATACAAAGAGCAGAAAGCAGCTTAGCTGCATCAATCATCATGTTGGGAACAGCAGGATCC[A>G]TGGCTCTGACCAGCAGTAGGATTCCTTCTTCTGTCTCCAACATGGTCTTGATTCCAAACT-3'
Protein context (NP_005210.3, residues 238-258): EEGILLLVRA[Met248Thr]DPAVPNMMID

ClinVar aggregate classification (germline): Uncertain significance (1 of 4 stars; one submission).

Conditions:
Autosomal dominant nonsyndromic hearing loss 1. Also called: KONIGSMARK SYNDROME; DEAFNESS, AUTOSOMAL DOMINANT 1, WITH OR WITHOUT THROMBOCYTOPENIA. Identifiers: Orphanet 90635, MedGen C1852282, MONDO:0007424, OMIM 124900.
Progressive microcephaly-seizures-cortical blindness-developmental delay syndrome. Also called: Seizures, cortical blindness, and microcephaly syndrome. Identifiers: Orphanet 477814, MedGen C5567650, MONDO:0014714, OMIM 616632.

Submission:

Labcorp Genetics (formerly Invitae), Labcorp
Classification: Uncertain significance for Progressive microcephaly-seizures-cortical blindness-developmental delay syndrome; Autosomal dominant nonsyndromic hearing loss 1. Last evaluated: 2022-02-28. Review status: criteria provided, single submitter. Criteria: Invitae Variant Classification Sherloc (09022015). Collection method: clinical testing. Allele origin: germline.
Comment: In summary, the available evidence is currently insufficient to determine the role of this variant in disease. Therefore, it has been classified as a Variant of Uncertain Significance. Algorithms developed to predict the effect of missense changes on protein structure and function are either unavailable or do not agree on the potential impact of this missense change (SIFT: "Deleterious"; PolyPhen-2: "Not Available"; Align-GVGD: "Class C0"). This variant has not been reported in the literature in individuals affected with DIAPH1-related conditions. This variant is not present in population databases (gnomAD no frequency). This sequence change replaces methionine, which is neutral and non-polar, with threonine, which is neutral and polar, at codon 248 of the DIAPH1 protein (p.Met248Thr).